The following is an entry in ClinVar:

ClinVar aggregate classification (germline): Uncertain significance (1 of 4 stars; one submission).

Allele frequency attached by ClinVar (database versions not stated): gnomAD exomes 0.00001.
gnomAD v4.1: 4 of 1,614,084 alleles (0.00025%); highest among the groups gnomAD compares: South Asian, 0.0044%; no homozygotes.

Submission:

GeneDx
Classification: Uncertain significance. Last evaluated: 2023-03-20. Review status: criteria provided, single submitter. Criteria: GeneDx Variant Classification Process June 2021. Collection method: clinical testing. Allele origin: germline. Affected: yes.
Comment: Not observed at significant frequency in large population cohorts (gnomAD); In silico analysis supports that this missense variant has a deleterious effect on protein structure/function; Has not been previously published as pathogenic or benign to our knowledge

NM_003632.3(CNTNAP1):c.1792T>C (p.Phe598Leu)

Gene: CNTNAP1 (contactin associated protein 1; plus strand). Cytogenetic location: 17q21.2.
Variant type: single nucleotide variant.
Coding change: c.1792T>C on transcript NM_003632.3 (MANE Select); coding-DNA position 1792, T replaced by C.
Protein change: p.Phe598Leu; replaces phenylalanine 598 with leucine.
Molecular consequence: missense variant.
Genome position (GRCh38, 1-based): chr17:42,690,144, T>C. VCF-style: chr17-42690144-T-C. GRCh37 (hg19) VCF-style: chr17-40842162-T-C.
Other names: short protein forms F598L.
Identifiers: ClinVar variation 2580379 (VCV002580379.1), dbSNP rs1356694509, ClinGen allele CA399642178.